The following is an entry in ClinVar:

NM_007294.4(BRCA1):c.2207A>C (p.Glu736Ala)

Gene: BRCA1 (BRCA1 DNA repair associated; minus strand). Cytogenetic location: 17q21.31.
Variant type: single nucleotide variant.
Coding change: c.2207A>C on transcript NM_007294.4 (MANE Select); coding-DNA position 2207, A replaced by C.
Protein change: p.Glu736Ala; replaces glutamic acid 736 with alanine.
Molecular consequence: missense variant. On other transcripts: intron variant (137).
Genome position (GRCh38, 1-based): chr17:43,093,324, T>G on the plus strand (A>C on the coding strand, the complement: BRCA1 is on the minus strand). VCF-style: chr17-43093324-T-G. GRCh37 (hg19) VCF-style: chr17-41245341-T-G.
Other names: 2326A>C; c.1994A>C, p.Glu665Ala (NM_001407571.1, NM_001407853.1, NM_001407894.1 and 9 more transcripts); c.2207A>C, p.Glu736Ala (NM_001407581.1, NM_001407582.1, NM_001407583.1 and 30 more transcripts); c.2204A>C, p.Glu735Ala (NM_001407587.1, NM_001407590.1, NM_001407591.1 and 22 more transcripts); c.2198A>C, p.Glu733Ala (NM_001407646.1, NM_001407647.1); c.2084A>C, p.Glu695Ala (NM_001407648.1, NM_001407664.1, NM_001407665.1 and 19 more transcripts); c.2081A>C, p.Glu694Ala (NM_001407649.1, NM_001407670.1, NM_001407671.1 and 11 more transcripts); c.2129A>C, p.Glu710Ala (NM_001407653.1, NM_001407654.1, NM_001407655.1 and 4 more transcripts); and 42 more; short protein forms E736A, E689A, E440A, E609A, E668A, E694A, E733A, E735A.
Identifiers: ClinVar variation 37455 (VCV000037455.78), dbSNP rs397507196, ClinGen allele CA001475.

ClinVar aggregate classification (germline): Benign/Likely benign. Review status: criteria provided, multiple submitters, no conflicts (2 of 4 stars). 10 submissions from 10 submitters: Benign (1); Likely benign (6). 3 of the submissions do not count toward it. Last evaluated 2026-04-06.

Conditions:
Hereditary cancer-predisposing syndrome. Also called: Tumor predisposition; Neoplastic Syndromes, Hereditary; Hereditary Cancer Syndrome; Hereditary neoplastic syndrome. Identifiers: Orphanet 140162, MedGen C0027672, MeSH D009386, MONDO:0015356.
Hereditary breast ovarian cancer syndrome. Also called: Hereditary breast and ovarian cancer syndrome (HBOC); Hereditary breast and ovarian cancer syndrome; Hereditary breast and ovarian cancer; Hereditary breast and/or ovarian cancer syndrome; Breast and ovarian cancer; BRCA1- and BRCA2-Associated Hereditary Breast and Ovarian Cancer. Identifiers: Orphanet 145, MedGen C0677776, MeSH D061325, MONDO:0003582. Disease mechanism: loss of function.
Breast-ovarian cancer, familial, susceptibility to, 1 (BROVCA1). Also called: OVARIAN CANCER, SUSCEPTIBILITY TO; BRCA1 Hereditary Breast and Ovarian Cancer. Identifiers: Orphanet 145, MedGen C2676676, MONDO:0011450, OMIM 604370. Disease mechanism: loss of function.
Malignant tumor of breast. Also called: Malignant breast neoplasm; Cancer breast. Identifiers: MedGen C0006142, MONDO:0007254. Disease mechanism: loss of function.

Allele frequency attached by ClinVar (database versions not stated): TOPMed below 0.00001; gnomAD 0.00001.
gnomAD v4.1: 6 of 1,613,432 alleles (0.00037%); highest among the groups gnomAD compares: East Asian, 0.0022%; no homozygotes.

Submissions (10):

Women's Health and Genetics/Laboratory Corporation of America, LabCorp
Classification: Likely benign. Last evaluated: 2026-04-06. Review status: criteria provided, single submitter. Criteria: LabCorp Variant Classification Summary - May 2015. Collection method: clinical testing. Allele origin: germline.
Comment: Variant summary: BRCA1 c.2207A>C (p.Glu736Ala) results in a non-conservative amino acid change in the encoded protein sequence. Algorithms developed to predict the effect of missense changes on protein structure and function are either unavailable or do not agree on the potential impact of this missense change. The variant was absent in 250714 control chromosomes. The available data on variant occurrences in the general population are insufficient to allow any conclusion about variant significance. c.2207A>C has been reported in the literature in an individual with an unspecified cancer diagnosis without evidence of cosegregation (Kurian_2008), and also, in a breast cancer tumor where it was interpreted as neutral by the authors (Spearman_2008). A publication involving the ENIGMA network of collaborators (Parsons_2019) assigned a classification of likely benign based on likelihood ratios (LRs) for pathogenicity estimated from clinical data of breast tumor pathology, co-occurrence, family history and bioinformatic predictions. To our knowledge, no experimental evidence demonstrating an impact on protein function has been reported. The following publications have been ascertained in the context of this evaluation (PMID: 24728327, 29580235, 18779604, 21990134, 22753008, 31131967, 18824701). ClinVar contains an entry for this variant (Variation ID: 37455). Based on the evidence outlined above, the variant was classified as likely benign.

Labcorp Genetics (formerly Invitae), Labcorp
Classification: Likely benign for Hereditary breast ovarian cancer syndrome. Last evaluated: 2026-01-27. Review status: criteria provided, single submitter. Criteria: Invitae Variant Classification Sherloc (09022015). Collection method: clinical testing. Allele origin: germline.

ARUP Laboratories, Molecular Genetics and Genomics, ARUP Laboratories
Classification: Likely benign. Last evaluated: 2025-03-26. Review status: criteria provided, single submitter. Criteria: ARUP Molecular Germline Variant Investigation Process 2024. Collection method: clinical testing. Allele origin: germline.

Quest Diagnostics Nichols Institute San Juan Capistrano
Classification: Likely benign. Last evaluated: 2022-08-30. Review status: criteria provided, single submitter. Criteria: Quest Diagnostics criteria. Collection method: clinical testing. Allele origin: unknown.

GeneDx
Classification: Likely benign. Last evaluated: 2020-01-20. Review status: criteria provided, single submitter. Criteria: GeneDx Variant Classification Process June 2021. Collection method: clinical testing. Allele origin: germline. Affected: yes.
Comment: This variant is associated with the following publications: (PMID: 22753008, 21990134, 24728327, 18824701, 18779604, 31131967)

Ambry Genetics
Classification: Likely benign for Hereditary cancer-predisposing syndrome. Last evaluated: 2018-05-21. Review status: criteria provided, single submitter. Criteria: Ambry Variant Classification Scheme 2023. Collection method: clinical testing. Allele origin: germline.

Color Diagnostics, LLC DBA Color Health
Classification: Benign for Hereditary cancer-predisposing syndrome. Last evaluated: 2016-01-19. Review status: criteria provided, single submitter. Criteria: ACMG Guidelines, 2015. Collection method: clinical testing. Allele origin: germline.

ITMI
No classification provided. Condition: AllHighlyPenetrant. Last evaluated: 2013-09-19. Review status: no classification provided. Collection method: reference population. Allele origin: germline. Not counted in ClinVar's aggregate classification.
Comment: Please see associated publication for description of ethnicities

Sharing Clinical Reports Project (SCRP)
Classification: Benign for Breast-ovarian cancer, familial 1. Last evaluated: 2012-02-01. Review status: no assertion criteria provided. Collection method: clinical testing. Allele origin: germline. Not counted in ClinVar's aggregate classification.

Department of Pathology and Laboratory Medicine, Sinai Health System
Classification: Likely benign for Malignant tumor of breast. Review status: no assertion criteria provided. Collection method: clinical testing. Allele origin: unknown. Affected: yes. Study: The Canadian Open Genetics Repository (COGR). Not counted in ClinVar's aggregate classification.
Comment: The BRCA1 p.Glu736Ala variant was identified in the literature and classified using a multifactorial probability based model as likely benign, however the frequency of this variant in an affected population was not provided (Lindor_2012_21990134). The variant was also identified in dbSNP (ID: rs397507196) as â€šÃ„ÃºWith Likely benign alleleâ€šÃ„Ã¹, ClinVar (as likely benign by Ambry, GeneDx, Invitae, and ARUP, and as benign by SCRP), Clinvitae (4x), GeneInsight-COGR, LOVD 3.0 (2x), ARUP Laboratories (as likely benign) databases. The variant was not identified in Cosmic, MutDB, UMD-LSDB, BIC Database, or Zhejiang Colon Cancer Database. The variant was identified in control databases in 1 of 30964 chromosomes at a frequency of 0.000032 (Genome Aggregation Database Feb 27, 2017). Breakdown of the observations by population include East Asian in 1 of 1620 chromosomes (freq: 0.000617), while the variant was not observed in the African, Other, Latino, European (Non-Finnish), Ashkenazi Jewish, European (Finnish) and South Asian populations. The p.Glu736 residue is not conserved in mammals and four out of five computational analyses (PolyPhen-2, SIFT, AlignGVGD, BLOSUM, MutationTaster) do not suggest a high likelihood of impact to the protein; however, this information is not predictive enough to rule out pathogenicity. The variant occurs outside of the splicing consensus sequence and in silico or computational prediction software programs (SpliceSiteFinder, MaxEntScan, NNSPLICE, GeneSplicer, HumanSpliceFinder) do not predict a difference in splicing. In summary, based on the above information the clinical significance of this variant cannot be determined with certainty at this time although we would lean towards a more benign role for this variant. This variant is classified as likely benign.

Literature cited by the submitters: PubMed 21990134 (cited by Women's Health and Genetics/Laboratory Corporation of America, LabCorp and Quest Diagnostics Nichols Institute San Juan Capistrano); PubMed 18824701 (cited by Women's Health and Genetics/Laboratory Corporation of America, LabCorp and Quest Diagnostics Nichols Institute San Juan Capistrano); PubMed 22753008 (cited by Women's Health and Genetics/Laboratory Corporation of America, LabCorp); PubMed 24728327 (cited by 3 submitters); PubMed 18779604 (cited by Women's Health and Genetics/Laboratory Corporation of America, LabCorp and Quest Diagnostics Nichols Institute San Juan Capistrano); PubMed 29580235 (cited by Women's Health and Genetics/Laboratory Corporation of America, LabCorp); PubMed 31131967 (cited by Women's Health and Genetics/Laboratory Corporation of America, LabCorp and Quest Diagnostics Nichols Institute San Juan Capistrano); PubMed 32817299 (cited by Quest Diagnostics Nichols Institute San Juan Capistrano).